The following is an entry in ClinVar:

ClinVar aggregate classification (germline): Uncertain significance (1 of 4 stars; one submission).

Submission:

Labcorp Genetics (formerly Invitae), Labcorp
Classification: Uncertain significance. Last evaluated: 2025-06-01. Review status: criteria provided, single submitter. Criteria: Invitae Variant Classification Sherloc (09022015). Collection method: clinical testing. Allele origin: germline.
Comment: This sequence change replaces lysine, which is basic and polar, with arginine, which is basic and polar, at codon 687 of the IFT88 protein (p.Lys687Arg). This variant is not present in population databases (gnomAD no frequency). This variant has not been reported in the literature in individuals affected with IFT88-related conditions. ClinVar contains an entry for this variant (Variation ID: 1996042). An algorithm developed to predict the effect of missense changes on protein structure and function (PolyPhen-2) suggests that this variant is likely to be disruptive. In summary, the available evidence is currently insufficient to determine the role of this variant in disease. Therefore, it has been classified as a Variant of Uncertain Significance.

NM_006531.5(IFT88):c.2033A>G (p.Lys678Arg)

Gene: IFT88 (intraflagellar transport 88; plus strand). Cytogenetic location: 13q12.11.
Variant type: single nucleotide variant.
Coding change: c.2033A>G on transcript NM_006531.5 (MANE Select); coding-DNA position 2033, A replaced by G.
Protein change: p.Lys678Arg; replaces lysine 678 with arginine.
Molecular consequence: missense variant. On other transcripts: non-coding transcript variant (5).
Genome position (GRCh38, 1-based): chr13:20,656,395, A>G. VCF-style: chr13-20656395-A-G. GRCh37 (hg19) VCF-style: chr13-21230534-A-G.
Other names: c.1976A>G, p.Lys659Arg (NM_001318491.2, NM_001353575.2); c.2060A>G, p.Lys687Arg (NM_001318493.2, NM_001353565.2, NM_001353566.2 and 2 more transcripts); c.2033A>G, p.Lys678Arg (NM_001353568.2, NM_001353572.2); c.1958A>G, p.Lys653Arg (NM_001353569.2, NM_001353570.2, NM_001353576.2 and 1 more transcripts); c.1931A>G, p.Lys644Arg (NM_001353571.2, NM_001353578.2); c.1889A>G, p.Lys630Arg (NM_001353573.2); c.1874A>G, p.Lys625Arg (NM_001353574.2); c.1400A>G, p.Lys467Arg (NM_001353579.2); short protein forms K653R, K687R, K630R, K644R, K467R, K678R, K625R, K659R.
Identifiers: ClinVar variation 1996042 (VCV001996042.4), dbSNP rs2548693388, ClinGen allele CA387476419.